The following is an entry in ClinVar:

NM_001405151.1(RTL5):c.1654C>T (p.Arg552Cys)

Genes: NHSL2 (NHS like 2; plus strand), RTL5 (retrotransposon Gag like 5; minus strand). Cytogenetic location: Xq13.1.
Variant type: single nucleotide variant.
Coding change: c.1654C>T on transcript NM_001405151.1 (MANE Select); coding-DNA position 1654, C replaced by T.
Protein change: p.Arg552Cys; replaces arginine 552 with cysteine.
Molecular consequence: missense variant. On other transcripts: intron variant (1).
Genome position (GRCh38, 1-based): chrX:72,129,887, G>A on the plus strand (C>T on the coding strand, the complement: RTL5 is on the minus strand). VCF-style: chrX-72129887-G-A. GRCh37 (hg19) VCF-style: chrX-71349737-G-A.
Other names: c.1654C>T, p.Arg552Cys (NM_001024455.4); c.281-2192G>A (NM_001013627.3); short protein forms R552C.
Identifiers: ClinVar variation 2660896 (VCV002660896.25), dbSNP rs769386611, ClinGen allele CA10448570.

ClinVar aggregate classification (germline): Conflicting classifications of pathogenicity. Review status: criteria provided, conflicting classifications (1 of 4 stars). 2 submissions from 2 submitters: Uncertain significance (1); Likely benign (1). Last evaluated 2023-12-06.

Allele frequency attached by ClinVar (database versions not stated): gnomAD 0.00003; TOPMed 0.00003; gnomAD exomes 0.00008; ExAC 0.00009.
gnomAD v4.1: 97 of 1,207,043 alleles (0.008%); highest among the groups gnomAD compares: Middle Eastern, 0.046%; no homozygotes.

Submissions (2):

Ambry Genetics
Classification: Uncertain significance. Last evaluated: 2023-12-06. Review status: criteria provided, single submitter. Criteria: Ambry Variant Classification Scheme 2023. Collection method: clinical testing. Allele origin: germline.

CeGaT Center for Human Genetics Tuebingen
Classification: Likely benign. Last evaluated: 2022-12-01. Review status: criteria provided, single submitter. Criteria: CeGaT Center For Human Genetics Tuebingen Variant Classification Criteria Version 2. Collection method: clinical testing. Allele origin: germline. Affected: yes. Observed: 1 variant allele.
Comment: NHSL2: BS2; RTL5: BS2